The following is an entry in ClinVar:

NM_000057.4(BLM):c.253del (p.Arg85fs)

Gene: BLM (BLM RecQ like helicase; plus strand). Cytogenetic location: 15q26.1.
Variant type: Deletion.
Coding change: c.253del on transcript NM_000057.4 (MANE Select); coding-DNA position 253, one base deleted (A; older notation c.253delA).
Protein change: p.Arg85fs; shifts the reading frame from arginine 85.
Molecular consequence: frameshift variant. On other transcripts: 5 prime UTR variant (1).
Genome position (GRCh38, 1-based): chr15:90,749,521, A deleted; the last of 3 consecutive A bases (chr15:90,749,519-90,749,521); deleting any one gives the same sequence. VCF-style (leftmost placement, unchanged base first): chr15-90749518-CA-C. GRCh37 (hg19) VCF-style: chr15-91292748-CA-C.
Other names: c.253del, p.Arg85fs (NM_001287246.2, NM_001287247.2); c.-1039del (NM_001287248.2); c.253del (NM_000057.3); short protein forms R85fs.
Identifiers: ClinVar variation 3685062 (VCV003685062.3).

ClinVar aggregate classification (germline): Pathogenic/Likely pathogenic. Review status: criteria provided, multiple submitters, no conflicts (2 of 4 stars). 2 submissions from 2 submitters: Pathogenic (1); Likely pathogenic (1). Last evaluated 2025-07-06.

Conditions:
Bloom syndrome (BLM). Also called: Bloom-Torre-Machacek syndrome. Identifiers: Orphanet 125, MedGen C0005859, MONDO:0008876, OMIM 210900.

Submissions (2):

Natera, Inc.
Classification: Likely pathogenic for Bloom syndrome. Last evaluated: 2025-07-06. Review status: criteria provided, single submitter. Criteria: Natera Variant Classification Schema (03/2026). Collection method: clinical testing. Allele origin: germline.
Comment: The c.253del variant in BLM is a frameshift variant predicted to shift the reading frame beginning at codon 85 and leads to a stop codon 44 codons downstream. This variant is expected to result in nonsense mediated decay, truncation, or a dysfunctional protein product. This variant is rare in the general population with a frequency below the threshold expected for the associated phenotype(s). Given the available evidence, this variant is classified as Likely Pathogenic.

Labcorp Genetics (formerly Invitae), Labcorp
Classification: Pathogenic for Bloom syndrome. Last evaluated: 2024-05-27. Review status: criteria provided, single submitter. Criteria: Invitae Variant Classification Sherloc (09022015). Collection method: clinical testing. Allele origin: germline.
Comment: This sequence change creates a premature translational stop signal (p.Arg85Glyfs*44) in the BLM gene. It is expected to result in an absent or disrupted protein product. Loss-of-function variants in BLM are known to be pathogenic (PMID: 17407155). This variant is not present in population databases (gnomAD no frequency). This variant has not been reported in the literature in individuals affected with BLM-related conditions. For these reasons, this variant has been classified as Pathogenic.

Literature cited by the submitters: PubMed 17407155 (cited by Labcorp Genetics (formerly Invitae), Labcorp).